The following is an entry in ClinVar:

ClinVar aggregate classification (germline): Uncertain significance (1 of 4 stars; one submission).

Submission:

Clinical Genomics Laboratory, Washington University in St. Louis
Classification: Uncertain significance. Last evaluated: 2024-06-09. Review status: criteria provided, single submitter. Criteria: ACMG Guidelines, 2015. Collection method: clinical testing. Allele origin: germline.
Comment: The ERN1 c.2633T>A (p.Ile878Asn) variant, to our knowledge, has not been reported in the medical literature. This variant is absent from the general population (gnomAD v.2.1.1), indicating it is not a common variant. Computational predictors indicate that the variant is damaging, evidence that correlates with impact to ERN1 function. Due to limited information, the clinical significance of this variant is uncertain.

NM_001433.5(ERN1):c.2633T>A (p.Ile878Asn)

Gene: ERN1 (endoplasmic reticulum to nucleus signaling 1; minus strand). Cytogenetic location: 17q23.3.
Variant type: single nucleotide variant.
Coding change: c.2633T>A on transcript NM_001433.5 (MANE Select); coding-DNA position 2633, T replaced by A.
Protein change: p.Ile878Asn; replaces isoleucine 878 with asparagine.
Molecular consequence: missense variant.
Genome position (GRCh38, 1-based): chr17:64,045,379, A>T on the plus strand (T>A on the coding strand, the complement: ERN1 is on the minus strand). VCF-style: chr17-64045379-A-T. GRCh37 (hg19) VCF-style: chr17-62122739-A-T.
Other names: short protein forms I878N.
Identifiers: ClinVar variation 3600524 (VCV003600524.1).